The following is an entry in ClinVar:

NM_015378.4(VPS13D):c.2357G>A (p.Ser786Asn)

Gene: VPS13D (vacuolar protein sorting 13 homolog D; plus strand). Cytogenetic location: 1p36.22.
Variant type: single nucleotide variant.
Coding change: c.2357G>A on transcript NM_015378.4 (MANE Select); coding-DNA position 2357, G replaced by A.
Protein change: p.Ser786Asn; replaces serine 786 with asparagine.
Molecular consequence: missense variant.
Genome position (GRCh38, 1-based): chr1:12,275,945, G>A. VCF-style: chr1-12275945-G-A. GRCh37 (hg19) VCF-style: chr1-12336002-G-A.
Other names: p.Ser786Asn; c.2357G>A, p.Ser786Asn (NM_018156.4); short protein forms S786N.
Identifiers: ClinVar variation 1897331 (VCV001897331.4), dbSNP rs749994083, ClinGen allele CA601812.

ClinVar aggregate classification (germline): Uncertain significance. Review status: criteria provided, multiple submitters, no conflicts (2 of 4 stars). 2 submissions from 2 submitters: Uncertain significance (2). Last evaluated 2025-09-27.

Allele frequency attached by ClinVar (database versions not stated): ExAC 0.00002; TOPMed 0.00005; gnomAD exomes 0.00006; gnomAD 0.00006.
gnomAD v4.1: 94 of 1,613,878 alleles (0.0058%); highest among the groups gnomAD compares: Non-Finnish European, 0.0075%; no homozygotes.

Submissions (2):

Mayo Clinic Laboratories, Mayo Clinic
Classification: Uncertain significance. Last evaluated: 2025-09-27. Review status: criteria provided, single submitter. Criteria: ACMG Guidelines, 2015. Collection method: clinical testing. Allele origin: germline. Observed: 1 variant allele.
Comment: BP4_moderate

Labcorp Genetics (formerly Invitae), Labcorp
Classification: Uncertain significance. Last evaluated: 2025-01-20. Review status: criteria provided, single submitter. Criteria: Invitae Variant Classification Sherloc (09022015). Collection method: clinical testing. Allele origin: germline.
Comment: This sequence change replaces serine, which is neutral and polar, with asparagine, which is neutral and polar, at codon 786 of the VPS13D protein (p.Ser786Asn). This variant is present in population databases (rs749994083, gnomAD 0.008%). This variant has not been reported in the literature in individuals affected with VPS13D-related conditions. ClinVar contains an entry for this variant (Variation ID: 1897331). Invitae Evidence Modeling of protein sequence and biophysical properties (such as structural, functional, and spatial information, amino acid conservation, physicochemical variation, residue mobility, and thermodynamic stability) indicates that this missense variant is not expected to disrupt VPS13D protein function with a negative predictive value of 80%. In summary, the available evidence is currently insufficient to determine the role of this variant in disease. Therefore, it has been classified as a Variant of Uncertain Significance.